The following is an entry in ClinVar:

NM_152618.3(BBS12):c.911G>A (p.Cys304Tyr)

Gene: BBS12 (Bardet-Biedl syndrome 12; plus strand). Cytogenetic location: 4q27.
Variant type: single nucleotide variant.
Coding change: c.911G>A on transcript NM_152618.3 (MANE Select); coding-DNA position 911, G replaced by A.
Protein change: p.Cys304Tyr; replaces cysteine 304 with tyrosine.
Molecular consequence: missense variant.
Genome position (GRCh38, 1-based): chr4:122,742,803, G>A. VCF-style: chr4-122742803-G-A. GRCh37 (hg19) VCF-style: chr4-123663958-G-A.
Other names: c.911G>A, p.Cys304Tyr (NM_001178007.2); c.911G>A (NM_152618.2); short protein forms C304Y.
Identifiers: ClinVar variation 2171438 (VCV002171438.8), dbSNP rs147734969, ClinGen allele CA3069348.

ClinVar aggregate classification (germline): Uncertain significance. Review status: criteria provided, multiple submitters, no conflicts (2 of 4 stars). 5 submissions from 5 submitters: Uncertain significance (4). 1 of the submissions does not count toward it. Last evaluated 2025-04-09.

Conditions:
Inborn genetic diseases. Identifiers: MedGen C0950123, MeSH D030342.
Bardet-Biedl syndrome (BBS). Identifiers: Orphanet 110, MedGen C0752166, MONDO:0015229.
Bardet-Biedl syndrome 12 (BBS12). Identifiers: Orphanet 110, MedGen C1859570, MONDO:0014440, OMIM 615989.
BBS12-related disorder. Also called: BBS12-related condition.

Allele frequency attached by ClinVar (database versions not stated): ExAC 0.00005; gnomAD 0.00006; gnomAD exomes 0.00006; TOPMed 0.00006; ESP Exome Variant Server 0.00023.
gnomAD v4.1: 95 of 1,614,094 alleles (0.0059%); highest among the groups gnomAD compares: Non-Finnish European, 0.0074%; no homozygotes.

Submissions (5):

Ambry Genetics
Classification: Uncertain significance for Inborn genetic diseases. Last evaluated: 2025-04-09. Review status: criteria provided, single submitter. Criteria: Ambry Variant Classification Scheme 2023. Collection method: clinical testing. Allele origin: germline.

Fulgent Genetics
Classification: Uncertain significance for Bardet-Biedl syndrome 12. Last evaluated: 2024-06-05. Review status: criteria provided, single submitter. Criteria: ACMG Guidelines, 2015. Collection method: clinical testing. Allele origin: germline.

Labcorp Genetics (formerly Invitae), Labcorp
Classification: Uncertain significance for Bardet-Biedl syndrome. Last evaluated: 2022-08-22. Review status: criteria provided, single submitter. Criteria: Invitae Variant Classification Sherloc (09022015). Collection method: clinical testing. Allele origin: germline.
Comment: This sequence change replaces cysteine, which is neutral and slightly polar, with tyrosine, which is neutral and polar, at codon 304 of the BBS12 protein (p.Cys304Tyr). This variant is present in population databases (rs147734969, gnomAD 0.007%). This variant has not been reported in the literature in individuals affected with BBS12-related conditions. Algorithms developed to predict the effect of missense changes on protein structure and function (SIFT, PolyPhen-2, Align-GVGD) all suggest that this variant is likely to be tolerated. In summary, the available evidence is currently insufficient to determine the role of this variant in disease. Therefore, it has been classified as a Variant of Uncertain Significance.

Blueprint Genetics
Classification: Uncertain significance. Last evaluated: 2022-01-04. Review status: criteria provided, single submitter. Criteria: ACMG Guidelines, 2015. Collection method: clinical testing. Allele origin: germline.

PreventionGenetics, part of Exact Sciences
Classification: Uncertain significance for BBS12-related condition. Last evaluated: 2024-09-23. Review status: no assertion criteria provided. Collection method: clinical testing. Allele origin: germline. Not counted in ClinVar's aggregate classification.
Comment: The BBS12 c.911G>A variant is predicted to result in the amino acid substitution p.Cys304Tyr. To our knowledge, this variant has not been reported in the literature. This variant is reported in 0.0070% of alleles in individuals of European (non-Finnish) descent in gnomAD. At this time, the clinical significance of this variant is uncertain due to the absence of conclusive functional and genetic evidence.